The following is an entry in ClinVar:

ClinVar aggregate classification (germline): Uncertain significance (1 of 4 stars; one submission).

Conditions:
Inborn genetic diseases. Identifiers: MedGen C0950123, MeSH D030342.

Submission:

Ambry Genetics
Classification: Uncertain significance for Inborn genetic diseases. Last evaluated: 2025-08-09. Review status: criteria provided, single submitter. Criteria: Ambry Variant Classification Scheme 2023. Collection method: clinical testing. Allele origin: germline.
Comment: The p.L409F variant (also known as c.1225C>T), located in coding exon 9 of the BMPR2 gene, results from a C to T substitution at nucleotide position 1225. The leucine at codon 409 is replaced by phenylalanine, an amino acid with highly similar properties. This amino acid position is conserved. In addition, this alteration is predicted to be deleterious by in silico analysis. Based on the available evidence, the clinical significance of this variant remains unclear.

NM_001204.7(BMPR2):c.1225C>T (p.Leu409Phe)

Gene: BMPR2 (bone morphogenetic protein receptor type 2; plus strand). Cytogenetic location: 2q33.2.
Variant type: single nucleotide variant.
Coding change: c.1225C>T on transcript NM_001204.7 (MANE Select); coding-DNA position 1225, C replaced by T.
Protein change: p.Leu409Phe; replaces leucine 409 with phenylalanine.
Molecular consequence: missense variant.
Genome position (GRCh38, 1-based): chr2:202,532,681, C>T. VCF-style: chr2-202532681-C-T. GRCh37 (hg19) VCF-style: chr2-203397404-C-T.
Other names: short protein forms L409F.
Identifiers: ClinVar variation 4214492 (VCV004214492.1).